The following is an entry in ClinVar:

ClinVar aggregate classification (germline): Uncertain significance (1 of 4 stars; one submission).

Conditions:
FRMPD4-related disorder. Also called: FRMPD4-related condition.

gnomAD v4.1: 1 of 1,210,832 alleles (0.000083%); highest among the groups gnomAD compares: Admixed American, 0.0022%; no homozygotes.

Submission:

PreventionGenetics, part of Exact Sciences
Classification: Uncertain significance for FRMPD4-related condition. Last evaluated: 2024-10-31. Review status: criteria provided, single submitter. Criteria: ACMG Guidelines, 2015. Collection method: clinical testing. Allele origin: germline.
Comment: The FRMPD4 c.2992G>C variant is predicted to result in the amino acid substitution p.Glu998Gln. To our knowledge, this variant has not been reported in the literature or in a large population database (gnomAD), indicating this variant is rare. At this time, the clinical significance of this variant is uncertain due to the absence of conclusive functional and genetic evidence.

NM_001368397.1(FRMPD4):c.2992G>C (p.Glu998Gln)

Gene: FRMPD4 (FERM and PDZ domain containing 4; plus strand). Cytogenetic location: Xp22.2.
Variant type: single nucleotide variant.
Coding change: c.2992G>C on transcript NM_001368397.1 (MANE Select); coding-DNA position 2992, G replaced by C.
Protein change: p.Glu998Gln; replaces glutamic acid 998 with glutamine.
Molecular consequence: missense variant.
Genome position (GRCh38, 1-based): chrX:12,717,818, G>C. VCF-style: chrX-12717818-G-C. GRCh37 (hg19) VCF-style: chrX-12735937-G-C.
Other names: c.3103G>C, p.Glu1035Gln (NM_001368395.3, NM_001368398.3); c.2998G>C, p.Glu1000Gln (NM_001368396.3); c.2983G>C, p.Glu995Gln (NM_001368399.3); c.2872G>C, p.Glu958Gln (NM_001368400.3); c.2968G>C, p.Glu990Gln (NM_001368401.1, NM_001368402.3); c.2992G>C, p.Glu998Gln (NM_014728.3); short protein forms E1000Q, E958Q, E990Q, E998Q, E995Q, E1035Q.
Identifiers: ClinVar variation 4997659 (VCV004997659.1).